The following is an entry in ClinVar:

NM_003622.4(PPFIBP1):c.1971G>A (p.Ser657=)

Gene: PPFIBP1 (PPFIB scaffold protein 1; plus strand). Cytogenetic location: 12p11.22.
Variant type: single nucleotide variant.
Coding change: c.1971G>A on transcript NM_003622.4 (MANE Select); coding-DNA position 1971, G replaced by A.
Protein change: p.Ser657=; no amino-acid change (serine 657 retained).
Molecular consequence: synonymous variant.
Genome position (GRCh38, 1-based): chr12:27,681,621, G>A. VCF-style: chr12-27681621-G-A. GRCh37 (hg19) VCF-style: chr12-27834554-G-A.
Other names: c.1530G>A, p.Ser510= (NM_001198915.2); c.1896G>A, p.Ser632= (NM_001198916.2); c.1989G>A, p.Ser663= (NM_177444.3).
Identifiers: ClinVar variation 4533955 (VCV004533955.6).

ClinVar aggregate classification (germline): Likely benign (1 of 4 stars; one submission).

gnomAD v4.1: 720 of 1,614,166 alleles (0.045%); highest among the groups gnomAD compares: African/African-American, 0.87%; 7 homozygotes.

Submission:

CeGaT Center for Human Genetics Tuebingen
Classification: Likely benign. Last evaluated: 2026-02-01. Review status: criteria provided, single submitter. Criteria: CeGaT Center For Human Genetics Tuebingen Variant Classification Criteria Version 2. Collection method: clinical testing. Allele origin: germline. Affected: yes. Observed: 2 variant alleles.
Comment: PPFIBP1: BP4, BP7